The following is an entry in ClinVar:

ClinVar aggregate classification (germline): Uncertain significance. Review status: criteria provided, multiple submitters, no conflicts (2 of 4 stars). 2 submissions from 2 submitters: Uncertain significance (2). Last evaluated 2025-11-17.

Allele frequency attached by ClinVar (database versions not stated): gnomAD 0.00001; gnomAD exomes 0.00001; TOPMed 0.00001.
gnomAD v4.1: 7 of 1,612,550 alleles (0.00043%); highest among the groups gnomAD compares: Admixed American, 0.005%; no homozygotes.

Submissions (2):

Ambry Genetics
Classification: Uncertain significance. Last evaluated: 2025-11-17. Review status: criteria provided, single submitter. Criteria: Ambry Variant Classification Scheme 2023. Collection method: clinical testing. Allele origin: germline.
Comment: The p.M473I variant (also known as c.1419G>T), located in coding exon 10 of the RINT1 gene, results from a G to T substitution at nucleotide position 1419. The methionine at codon 473 is replaced by isoleucine, an amino acid with highly similar properties. This amino acid position is conserved. In addition, this alteration is predicted to be tolerated by in silico analysis. Since supporting evidence is limited at this time, the clinical significance of this alteration remains unclear.

Labcorp Genetics (formerly Invitae), Labcorp
Classification: Uncertain significance. Last evaluated: 2023-11-06. Review status: criteria provided, single submitter. Criteria: Invitae Variant Classification Sherloc (09022015). Collection method: clinical testing. Allele origin: germline.
Comment: This sequence change replaces methionine, which is neutral and non-polar, with isoleucine, which is neutral and non-polar, at codon 473 of the RINT1 protein (p.Met473Ile). This variant is present in population databases (no rsID available, gnomAD 0.009%). This variant has not been reported in the literature in individuals affected with RINT1-related conditions. ClinVar contains an entry for this variant (Variation ID: 1014647). An algorithm developed to predict the effect of missense changes on protein structure and function (PolyPhen-2) suggests that this variant is likely to be tolerated. In summary, the available evidence is currently insufficient to determine the role of this variant in disease. Therefore, it has been classified as a Variant of Uncertain Significance.

NM_021930.6(RINT1):c.1419G>T (p.Met473Ile)

Gene: RINT1 (RAD50 interactor 1; plus strand). Cytogenetic location: 7q22.3.
Variant type: single nucleotide variant.
Coding change: c.1419G>T on transcript NM_021930.6 (MANE Select); coding-DNA position 1419, G replaced by T.
Protein change: p.Met473Ile; replaces methionine 473 with isoleucine.
Molecular consequence: missense variant. On other transcripts: non-coding transcript variant (1).
Genome position (GRCh38, 1-based): chr7:105,551,655, G>T. VCF-style: chr7-105551655-G-T. GRCh37 (hg19) VCF-style: chr7-105192102-G-T.
Other names: c.1419G>T (NM_021930.4); c.1185G>T, p.Met395Ile (NM_001346599.2); c.396G>T, p.Met132Ile (NM_001346600.2, NM_001346603.2); c.495G>T, p.Met165Ile (NM_001346601.2); short protein forms M132I, M165I, M395I, M473I.
Identifiers: ClinVar variation 1014647 (VCV001014647.11), dbSNP rs1347113517, ClinGen allele CA368810240.